The following is an entry in ClinVar:

ClinVar aggregate classification (germline): Uncertain significance (1 of 4 stars; one submission).

Allele frequency attached by ClinVar (database versions not stated): gnomAD 0.00003; TOPMed 0.00003.
gnomAD v4.1: 61 of 1,492,368 alleles (0.0041%); highest among the groups gnomAD compares: Middle Eastern, 0.02%; no homozygotes.

Submission:

CeGaT Center for Human Genetics Tuebingen
Classification: Uncertain significance. Last evaluated: 2023-12-01. Review status: criteria provided, single submitter. Criteria: CeGaT Center For Human Genetics Tuebingen Variant Classification Criteria Version 2. Collection method: clinical testing. Allele origin: germline. Affected: yes. Observed: 1 variant allele.
Comment: PITX3: PM2

NM_005029.4(PITX3):c.662G>C (p.Gly221Ala)

Genes: GBF1 (golgi brefeldin A resistant guanine nucleotide exchange factor 1; plus strand), PITX3 (paired like homeodomain 3; minus strand). Cytogenetic location: 10q24.32.
Variant type: single nucleotide variant.
Coding change: c.662G>C on transcript NM_005029.4 (MANE Select); coding-DNA position 662, G replaced by C.
Protein change: p.Gly221Ala; replaces glycine 221 with alanine.
Molecular consequence: missense variant. On other transcripts: 5 prime UTR variant (2).
Genome position (GRCh38, 1-based): chr10:102,230,761, C>G on the plus strand (G>C on the coding strand, the complement: PITX3 is on the minus strand). VCF-style: chr10-102230761-C-G. GRCh37 (hg19) VCF-style: chr10-103990518-C-G.
Other names: c.-166C>G (NM_001391923.1); c.-304C>G (NM_001391924.1); short protein forms G221A.
Identifiers: ClinVar variation 3025816 (VCV003025816.20), dbSNP rs1473811943, ClinGen allele CA378161096.